The following is an entry in ClinVar:

ClinVar aggregate classification (germline): Uncertain significance. Review status: criteria provided, multiple submitters, no conflicts (2 of 4 stars). 2 submissions from 2 submitters: Uncertain significance (2). Last evaluated 2026-03-05.

Conditions:
Hereditary cancer-predisposing syndrome. Also called: Tumor predisposition; Hereditary Cancer Syndrome; Hereditary neoplastic syndrome; Neoplastic Syndromes, Hereditary. Identifiers: Orphanet 140162, MedGen C0027672, MeSH D009386, MONDO:0015356.
Familial cancer of breast. Also called: Hereditary breast cancer; hereditary breast carcinoma; BREAST CANCER, FAMILIAL. Identifiers: Orphanet 227535, MedGen C0346153, MONDO:0016419, OMIM 114480. Disease mechanism: loss of function.

Submissions (2):

Ambry Genetics
Classification: Uncertain significance for Hereditary cancer-predisposing syndrome. Last evaluated: 2026-03-05. Review status: criteria provided, single submitter. Criteria: Ambry Variant Classification Scheme 2023. Collection method: clinical testing. Allele origin: germline.
Comment: The p.M381I variant (also known as c.1143G>T), located in coding exon 10 of the CHEK2 gene, results from a G to T substitution at nucleotide position 1143. The methionine at codon 381 is replaced by isoleucine, an amino acid with highly similar properties. This variant was reported as functionally impaired in a study assessing CHEK2-complementation through quantification of KAP1 phosphorylation and CHK2 autophosphorylation in human RPE1-CHEK2-knockout cells (Stolarova L et al. Clin Cancer Res, 2023 Aug;29:3037-3050). This amino acid position is highly conserved in available vertebrate species. In addition, the in silico prediction for this alteration is inconclusive. Based on the available evidence, the clinical significance of this variant remains unclear.

Baylor Genetics
Classification: Uncertain significance for Familial cancer of breast. Last evaluated: 2024-01-18. Review status: criteria provided, single submitter. Criteria: ACMG Guidelines, 2015. Collection method: clinical testing. Allele origin: unknown.

Literature cited by the submitters: PubMed 37449874 (cited by Ambry Genetics).

NM_007194.4(CHEK2):c.1143G>T (p.Met381Ile)

Gene: CHEK2 (checkpoint kinase 2; minus strand). Cytogenetic location: 22q12.1.
Variant type: single nucleotide variant.
Coding change: c.1143G>T on transcript NM_007194.4 (MANE Select); coding-DNA position 1143, G replaced by T.
Protein change: p.Met381Ile; replaces methionine 381 with isoleucine.
Molecular consequence: missense variant.
Genome position (GRCh38, 1-based): chr22:28,695,826, C>A on the plus strand (G>T on the coding strand, the complement: CHEK2 is on the minus strand). VCF-style: chr22-28695826-C-A. GRCh37 (hg19) VCF-style: chr22-29091814-C-A.
Other names: c.1272G>T, p.Met424Ile (NM_001005735.3); c.480G>T, p.Met160Ile (NM_001257387.3); c.942G>T, p.Met314Ile (NM_001349956.3); c.1056G>T, p.Met352Ile (NM_145862.3); c.1143G>T (NM_007194.3); short protein forms M160I, M314I, M352I, M381I, M424I.
Identifiers: ClinVar variation 3241162 (VCV003241162.2), dbSNP rs1601723143.
Genomic context (GRCh38, chr22:28,695,826, plus strand): 5'-AGTCCCAACAGAAACAAGAACTTCAGGCGCCAAGTAGGTGGGGGTTCCACATAAGGTTCT[C>A]ATGAGAGAGGTCTCTCCCAAAATCTTGGAGTGCCCAAAATCAGTAATCTAAAATTCAGTA-3'
Protein context (NP_009125.1, residues 371-391): HSKILGETSL[Met381Ile]RTLCGTPTYL